The following is an entry in ClinVar:

NM_000836.4(GRIN2D):c.1072G>C (p.Glu358Gln)

Gene: GRIN2D (glutamate ionotropic receptor NMDA type subunit 2D; plus strand). Cytogenetic location: 19q13.33.
Variant type: single nucleotide variant.
Coding change: c.1072G>C on transcript NM_000836.4 (MANE Select); coding-DNA position 1072, G replaced by C.
Protein change: p.Glu358Gln; replaces glutamic acid 358 with glutamine.
Molecular consequence: missense variant.
Genome position (GRCh38, 1-based): chr19:48,405,340, G>C. VCF-style: chr19-48405340-G-C. GRCh37 (hg19) VCF-style: chr19-48908597-G-C.
Other names: short protein forms E358Q.
Identifiers: ClinVar variation 3660795 (VCV003660795.2).

ClinVar aggregate classification (germline): Uncertain significance (1 of 4 stars; one submission).

gnomAD v4.1: 2 of 1,586,470 alleles (0.00013%); highest among the groups gnomAD compares: Non-Finnish European, 0.00017%; no homozygotes.

Submission:

Labcorp Genetics (formerly Invitae), Labcorp
Classification: Uncertain significance. Last evaluated: 2024-08-31. Review status: criteria provided, single submitter. Criteria: Invitae Variant Classification Sherloc (09022015). Collection method: clinical testing. Allele origin: germline.
Comment: This sequence change replaces glutamic acid, which is acidic and polar, with glutamine, which is neutral and polar, at codon 358 of the GRIN2D protein (p.Glu358Gln). This variant is present in population databases (rs372406980, gnomAD 0.001%). This variant has not been reported in the literature in individuals affected with GRIN2D-related conditions. Invitae Evidence Modeling of protein sequence and biophysical properties (such as structural, functional, and spatial information, amino acid conservation, physicochemical variation, residue mobility, and thermodynamic stability) indicates that this missense variant is not expected to disrupt GRIN2D protein function with a negative predictive value of 80%. In summary, the available evidence is currently insufficient to determine the role of this variant in disease. Therefore, it has been classified as a Variant of Uncertain Significance.